The following is an entry in ClinVar:

NM_020911.2(PLXNA4):c.3477G>T (p.Thr1159=)

Gene: PLXNA4 (plexin A4; minus strand). Cytogenetic location: 7q32.3.
Variant type: single nucleotide variant.
Coding change: c.3477G>T on transcript NM_020911.2 (MANE Select); coding-DNA position 3477, G replaced by T.
Protein change: p.Thr1159=; no amino-acid change (threonine 1159 retained).
Molecular consequence: synonymous variant.
Genome position (GRCh38, 1-based): chr7:132,181,396, C>A on the plus strand (G>T on the coding strand, the complement: PLXNA4 is on the minus strand). VCF-style: chr7-132181396-C-A. GRCh37 (hg19) VCF-style: chr7-131866155-C-A.
Other names: c.3477G>T, p.Thr1159= (NM_001393897.1).
Identifiers: ClinVar variation 3357791 (VCV003357791.1).

ClinVar aggregate classification (germline): Likely benign (0 of 4 stars; one submission).

Conditions:
PLXNA4-related disorder. Also called: PLXNA4-related condition.

gnomAD v4.1: 5 of 1,613,590 alleles (0.00031%); highest among the groups gnomAD compares: Non-Finnish European, 0.00042%; no homozygotes.

Submission:

PreventionGenetics, part of Exact Sciences
Classification: Likely benign for PLXNA4-related condition. Last evaluated: 2024-08-28. Review status: no assertion criteria provided. Collection method: clinical testing. Allele origin: germline.
Comment: This variant is classified as likely benign based on ACMG/AMP sequence variant interpretation guidelines (Richards et al. 2015 PMID: 25741868, with internal and published modifications).